The following is an entry in ClinVar:

ClinVar aggregate classification (germline): Pathogenic (1 of 4 stars; one submission).

Conditions:
Dilated cardiomyopathy 1J (CMD1J). Also called: CARDIOMYOPATHY, DILATED, WITH SENSORINEURAL HEARING LOSS, AUTOSOMAL DOMINANT. Identifiers: Orphanet 217622, MedGen C1854368, MONDO:0011541, OMIM 605362.

Submission:

Labcorp Genetics (formerly Invitae), Labcorp
Classification: Pathogenic for Dilated cardiomyopathy 1J. Last evaluated: 2024-01-08. Review status: criteria provided, single submitter. Criteria: Invitae Variant Classification Sherloc (09022015). Collection method: clinical testing. Allele origin: unknown.
Comment: This variant is a gross deletion of the genomic region encompassing exon(s) 2 of the EYA4 gene, which includes the initiator codon. This deletion extends beyond the assayed region for this gene and therefore may encompass additional genes. It is expected to result in an absent or disrupted protein product. Loss-of-function variants in EYA4 are known to be pathogenic (PMID: 11159937, 25781927, 25963406). This variant has not been reported in the literature in individuals affected with EYA4-related conditions. For these reasons, this variant has been classified as Pathogenic.

Literature cited by the submitters: PubMed 11159937; PubMed 25781927; PubMed 25963406.

NC_000006.11:g.(?_133595919)_(133595971_?)del

Gene: EYA4 (EYA transcriptional coactivator and phosphatase 4; plus strand). Cytogenetic location: 6q23.2.
Variant type: Deletion.
Identifiers: ClinVar variation 3246004 (VCV003246004.1).